The following is an entry in ClinVar:

NM_001128425.2(MUTYH):c.23T>G (p.Leu8Arg)

Genes: MUTYH (mutY DNA glycosylase; minus strand), TOE1 (target of EGR1, exonuclease; plus strand). Cytogenetic location: 1p34.1.
Variant type: single nucleotide variant.
Coding change: c.23T>G on transcript NM_001128425.2 (MANE Plus Clinical); coding-DNA position 23, T replaced by G.
Protein change: p.Leu8Arg; replaces leucine 8 with arginine.
Molecular consequence: missense variant. On other transcripts: 5 prime UTR variant (8), non-coding transcript variant (3).
Genome position (GRCh38, 1-based): chr1:45,340,232, A>C on the plus strand (T>G on the coding strand, the complement: MUTYH is on the minus strand). VCF-style: chr1-45340232-A-C. GRCh37 (hg19) VCF-style: chr1-45805904-A-C.
Other names: c.-21A>C (NM_025077.4); c.-20T>G (NM_001048171.2); c.23T>G, p.Leu8Arg (NM_001293190.2, NM_001407069.1, NM_001407073.1 and 1 more transcripts); c.-232T>G (NM_001293192.2); c.-291T>G (NM_001350650.2); c.-227T>G (NM_001350651.2); c.-36T>G (NM_001407070.1, NM_001407071.1); c.-16T>G (NM_001407072.1); short protein forms L8R.
Identifiers: ClinVar variation 821219 (VCV000821219.13), dbSNP rs1570591840, ClinGen allele CA340137866.

ClinVar aggregate classification (germline): Uncertain significance. Review status: criteria provided, multiple submitters, no conflicts (2 of 4 stars). 3 submissions from 3 submitters: Uncertain significance (3). Last evaluated 2025-07-22.

Conditions:
Familial adenomatous polyposis 2. Also called: COLORECTAL ADENOMATOUS POLYPOSIS, AUTOSOMAL RECESSIVE; MYH-associated polyposis; FAP type 2; Adenomas, multiple colorectal; MUTYH Polyposis; ADENOMAS, MULTIPLE COLORECTAL, AUTOSOMAL RECESSIVE. Identifiers: Orphanet 220460, Orphanet 247798, MedGen C3272841, MONDO:0012041, OMIM 608456.
Hereditary cancer-predisposing syndrome. Also called: Tumor predisposition; Neoplastic Syndromes, Hereditary; Hereditary Cancer Syndrome; Hereditary neoplastic syndrome. Identifiers: Orphanet 140162, MedGen C0027672, MeSH D009386, MONDO:0015356.

Submissions (3):

Ambry Genetics
Classification: Uncertain significance for Hereditary cancer-predisposing syndrome. Last evaluated: 2025-07-22. Review status: criteria provided, single submitter. Criteria: Ambry Variant Classification Scheme 2023. Collection method: clinical testing. Allele origin: germline.
Comment: The p.L8R variant (also known as c.23T>G), located in coding exon 1 of the MUTYH gene, results from a T to G substitution at nucleotide position 23. The leucine at codon 8 is replaced by arginine, an amino acid with dissimilar properties. This amino acid position is not well conserved in available vertebrate species. In addition, this alteration is predicted to be tolerated by in silico analysis. Since supporting evidence is limited at this time, the clinical significance of this alteration remains unclear.

Labcorp Genetics (formerly Invitae), Labcorp
Classification: Uncertain significance for Familial adenomatous polyposis 2. Last evaluated: 2024-10-12. Review status: criteria provided, single submitter. Criteria: Invitae Variant Classification Sherloc (09022015). Collection method: clinical testing. Allele origin: germline.
Comment: This sequence change replaces leucine, which is neutral and non-polar, with arginine, which is basic and polar, at codon 8 of the MUTYH protein (p.Leu8Arg). This variant is not present in population databases (gnomAD no frequency). This variant has not been reported in the literature in individuals affected with MUTYH-related conditions. ClinVar contains an entry for this variant (Variation ID: 821219). An algorithm developed to predict the effect of missense changes on protein structure and function (PolyPhen-2) suggests that this variant is likely to be tolerated. In summary, the available evidence is currently insufficient to determine the role of this variant in disease. Therefore, it has been classified as a Variant of Uncertain Significance.

Sema4
Classification: Uncertain significance for Hereditary cancer-predisposing syndrome. Last evaluated: 2021-09-10. Review status: criteria provided, single submitter. Criteria: Sema4 Curation Guidelines. Collection method: curation. Allele origin: germline.
Comment: The MUTYH c.23T>G (p.L8R) variant has not been reported in the literature to our knowledge. It was not observed in the large and broad cohorts of the Genome Aggregation Database (PMID: 32461654). The variant has been reported in ClinVar (Variation ID: 821219). In silico tools suggest the impact of the variant on protein function is benign, though these predictions have not been confirmed by functional studies. The evidence is insufficient to meet ACMG/AMP criteria for classifying the variant as benign or pathogenic. Thus, the clinical significance of this variant is currently uncertain.